The following is an entry in ClinVar:

ClinVar aggregate classification (germline): Likely benign. Review status: criteria provided, multiple submitters, no conflicts (2 of 4 stars). 2 submissions from 2 submitters: Likely benign (2). Last evaluated 2026-06-03.

Conditions:
COL18A1-related disorder. Also called: COL18A1-related disorders; COL18A1-related condition.

Allele frequency attached by ClinVar (database versions not stated): gnomAD 0.00003; TOPMed 0.00003.
gnomAD v4.1: 22 of 1,612,746 alleles (0.0014%); highest among the groups gnomAD compares: Non-Finnish European, 0.0016%; no homozygotes.

Submissions (2):

PreventionGenetics, part of Exact Sciences
Classification: Likely benign for COL18A1-related condition. Last evaluated: 2026-06-03. Review status: criteria provided, single submitter. Criteria: ACMG Guidelines, 2015. Collection method: clinical testing. Allele origin: germline.
Comment: This variant is classified as likely benign based on ACMG/AMP sequence variant interpretation guidelines (Richards et al. 2015 PMID: 25741868, with internal and published modifications).

Labcorp Genetics (formerly Invitae), Labcorp
Classification: Likely benign. Last evaluated: 2025-12-21. Review status: criteria provided, single submitter. Criteria: Invitae Variant Classification Sherloc (09022015). Collection method: clinical testing. Allele origin: germline.

NM_001379500.1(COL18A1):c.3249+9C>G

Genes: COL18A1 (collagen type XVIII alpha 1 chain; plus strand), SLC19A1 (solute carrier family 19 member 1; minus strand). Cytogenetic location: 21q22.3.
Variant type: single nucleotide variant.
Coding change: c.3249+9C>G on transcript NM_001379500.1 (MANE Select); 9 bases into the intron after coding-DNA position 3249, C replaced by G.
Molecular consequence: intron variant.
Genome position (GRCh38, 1-based): chr21:45,507,602, C>G. VCF-style: chr21-45507602-C-G. GRCh37 (hg19) VCF-style: chr21-46927516-C-G.
Other names: c.3780+9C>G (NM_030582.3); c.4494+9C>G (NM_130444.3); c.3789+9C>G (NM_030582.4).
Identifiers: ClinVar variation 1980172 (VCV001980172.5), dbSNP rs1303619540, ClinGen allele CA749790494.
Genomic context (GRCh38, chr21:45,507,602, plus strand): 5'-CCCTGCTGCTTTCTTCCAGCTGGAGGCCCGGACACCACTCCCACGAGGGACGGTAAGGAG[C>G]CTTTTTTCTGTTGAGACTGGTGGGTGGTCAGGACATGAGGGGGTATGTGCTGTCCCCTGT-3'